The following is an entry in ClinVar:

ClinVar aggregate classification (germline): Benign/Likely benign. Review status: criteria provided, multiple submitters, no conflicts (2 of 4 stars). 5 submissions from 5 submitters: Benign (1); Likely benign (3). 1 of the submissions does not count toward it. Last evaluated 2026-01-24.

Conditions:
MTR-related disorder. Also called: MTR-related condition.
Disorders of Intracellular Cobalamin Metabolism. Identifiers: MedGen CN043592.
Methylcobalamin deficiency type cblG (HMAG). Also called: HOMOCYSTINURIA-MEGALOBLASTIC ANEMIA, cblG COMPLEMENTATION TYPE; HOMOCYSTINURIA-MEGALOBLASTIC ANEMIA, cblG TYPE; Functional methionine synthase deficiency type cblG; HOMOCYSTINURIA-MEGALOBLASTIC ANEMIA DUE TO DEFECT IN COBALAMIN METABOLISM, cblG COMPLEMENTATION TYPE. Identifiers: Orphanet 2170, Orphanet 622, MedGen C1855128, MONDO:0009609, OMIM 250940.

Allele frequency attached by ClinVar (database versions not stated): gnomAD 0.00007 and 0.00032; TOPMed 0.00010; gnomAD exomes 0.00057 and 0.00120; ExAC 0.00126; 1000 Genomes Project 30x 0.00203; 1000 Genomes Project 0.00240.
gnomAD v4.1: 919 of 1,614,118 alleles (0.057%); highest among the groups gnomAD compares: South Asian, 0.85%; 9 homozygotes.

Submissions (5):

Labcorp Genetics (formerly Invitae), Labcorp
Classification: Benign for Methylcobalamin deficiency type cblG. Last evaluated: 2026-01-24. Review status: criteria provided, single submitter. Criteria: Invitae Variant Classification Sherloc (09022015). Collection method: clinical testing. Allele origin: germline.

CeGaT Center for Human Genetics Tuebingen
Classification: Likely benign. Last evaluated: 2025-07-01. Review status: criteria provided, single submitter. Criteria: CeGaT Center For Human Genetics Tuebingen Variant Classification Criteria Version 2. Collection method: clinical testing. Allele origin: germline. Affected: yes. Observed: 3 variant alleles.
Comment: MTR: BP4, BP7

Illumina Laboratory Services, Illumina
Classification: Likely benign for Disorders of Intracellular Cobalamin Metabolism. Last evaluated: 2018-01-13. Review status: criteria provided, single submitter. Criteria: ICSL Variant Classification Criteria 13 December 2019. Collection method: clinical testing. Allele origin: germline.
Comment: This variant was observed in the ICSL laboratory as part of a predisposition screen in an ostensibly healthy population. It had not been previously curated by ICSL or reported in the Human Gene Mutation Database (HGMD: prior to June 1st, 2018), and was therefore a candidate for classification through an automated scoring system. Utilizing variant allele frequency, disease prevalence and penetrance estimates, and inheritance mode, an automated score was calculated to assess if this variant is too frequent to cause the disease. Based on the score and internal cut-off values, a variant classified as likely benign is not then subjected to further curation. The score for this variant resulted in a classification of likely benign for this disease.

GeneDx
Classification: Likely benign. Last evaluated: 2017-10-05. Review status: criteria provided, single submitter. Criteria: GeneDx Variant Classification (06012015). Collection method: clinical testing. Allele origin: germline. Affected: yes.
Comment: This variant is considered likely benign or benign based on one or more of the following criteria: it is a conservative change, it occurs at a poorly conserved position in the protein, it is predicted to be benign by multiple in silico algorithms, and/or has population frequency not consistent with disease.

PreventionGenetics, part of Exact Sciences
Classification: Benign for MTR-related condition. Last evaluated: 2024-05-26. Review status: no assertion criteria provided. Collection method: clinical testing. Allele origin: germline. Not counted in ClinVar's aggregate classification.
Comment: This variant is classified as benign based on ACMG/AMP sequence variant interpretation guidelines (Richards et al. 2015 PMID: 25741868, with internal and published modifications).

NM_000254.3(MTR):c.3141C>T (p.Tyr1047=)

Gene: MTR (5-methyltetrahydrofolate-homocysteine methyltransferase; plus strand). Cytogenetic location: 1q43.
Variant type: single nucleotide variant.
Coding change: c.3141C>T on transcript NM_000254.3 (MANE Select); coding-DNA position 3141, C replaced by T.
Protein change: p.Tyr1047=; no amino-acid change (tyrosine 1047 retained).
Molecular consequence: synonymous variant.
Genome position (GRCh38, 1-based): chr1:236,891,266, C>T. VCF-style: chr1-236891266-C-T. GRCh37 (hg19) VCF-style: chr1-237054566-C-T.
Other names: c.2988C>T, p.Tyr996= (NM_001291939.1); c.1920C>T, p.Tyr640= (NM_001291940.2).
Identifiers: ClinVar variation 506616 (VCV000506616.36), dbSNP rs560615373, ClinGen allele CA1474615.
Genomic context (GRCh38, chr1:236,891,266, plus strand): 5'-GGCCCGGGGTGTGGTTGGGTTCTGGCCAGCACAGAGTATCCAAGACGACATTCACCTGTA[C>T]GCAGAGGCTGCTGTGCCCCAGGCTGCAGAGCCCATAGCCACCTTCTATGGGTTAAGGCAA-3'
Protein context (NP_000245.2, residues 1037-1057): AQSIQDDIHL[Tyr1047=]AEAAVPQAAE